The following is an entry in ClinVar:

ClinVar aggregate classification (germline): Uncertain significance. Review status: criteria provided, multiple submitters, no conflicts (2 of 4 stars). 2 submissions from 2 submitters: Uncertain significance (2). Last evaluated 2024-12-12.

Conditions:
Inborn genetic diseases. Identifiers: MedGen C0950123, MeSH D030342.

gnomAD v4.1: 3 of 1,614,002 alleles (0.00019%); highest among the groups gnomAD compares: South Asian, 0.0011%; no homozygotes.

Submissions (2):

Ambry Genetics
Classification: Uncertain significance for Inborn genetic diseases. Last evaluated: 2024-12-12. Review status: criteria provided, single submitter. Criteria: Ambry Variant Classification Scheme 2023. Collection method: clinical testing. Allele origin: germline.
Comment: The p.V796M variant (also known as c.2386G>A), located in coding exon 8 of the MECOM gene, results from a G to A substitution at nucleotide position 2386. The valine at codon 796 is replaced by methionine, an amino acid with highly similar properties. This amino acid position is conserved. In addition, this alteration is predicted to be tolerated by in silico analysis. Based on the available evidence, the clinical significance of this variant remains unclear.

Labcorp Genetics (formerly Invitae), Labcorp
Classification: Uncertain significance. Last evaluated: 2024-04-16. Review status: criteria provided, single submitter. Criteria: Invitae Variant Classification Sherloc (09022015). Collection method: clinical testing. Allele origin: germline.
Comment: This sequence change replaces valine, which is neutral and non-polar, with methionine, which is neutral and non-polar, at codon 608 of the MECOM protein (p.Val608Met). This variant is present in population databases (no rsID available, gnomAD 0.0009%). This variant has not been reported in the literature in individuals affected with MECOM-related conditions. An algorithm developed to predict the effect of missense changes on protein structure and function (PolyPhen-2) suggests that this variant is likely to be tolerated. In summary, the available evidence is currently insufficient to determine the role of this variant in disease. Therefore, it has been classified as a Variant of Uncertain Significance.

NM_004991.4(MECOM):c.2386G>A (p.Val796Met)

Gene: MECOM (MDS1 and EVI1 complex locus; minus strand). Cytogenetic location: 3q26.2.
Variant type: single nucleotide variant.
Coding change: c.2386G>A on transcript NM_004991.4 (MANE Select); coding-DNA position 2386, G replaced by A.
Protein change: p.Val796Met; replaces valine 796 with methionine.
Molecular consequence: missense variant.
Genome position (GRCh38, 1-based): chr3:169,115,486, C>T on the plus strand (G>A on the coding strand, the complement: MECOM is on the minus strand). VCF-style: chr3-169115486-C-T. GRCh37 (hg19) VCF-style: chr3-168833274-C-T.
Other names: c.2386G>A (NM_004991.3); c.850G>A, p.Val284Met (NM_001366474.2); c.1822G>A, p.Val608Met (NM_005241.4, NM_001205194.2, NM_001366469.2 and 4 more transcripts); c.2386G>A, p.Val796Met (NM_001366466.2); c.1825G>A, p.Val609Met (NM_001366467.2, NM_001366468.2, NM_001366470.2 and 1 more transcripts); c.1414G>A, p.Val472Met (NM_001366473.2); c.2017G>A, p.Val673Met (NM_001105077.4); short protein forms V608M, V673M, V472M, V284M, V609M, V796M.
Identifiers: ClinVar variation 3701500 (VCV003701500.3).